The following is an entry in ClinVar:

NM_000135.4(FANCA):c.1826+2T>C

Gene: FANCA (FA complementation group A; minus strand). Cytogenetic location: 16q24.3.
Variant type: single nucleotide variant.
Coding change: c.1826+2T>C on transcript NM_000135.4 (MANE Select); the canonical splice donor site of the intron after coding-DNA position 1826, T replaced by C.
Molecular consequence: splice donor variant.
Genome position (GRCh38, 1-based): chr16:89,778,799, A>G on the plus strand (T>C on the coding strand, the complement: FANCA is on the minus strand). VCF-style: chr16-89778799-A-G. GRCh37 (hg19) VCF-style: chr16-89845207-A-G.
Other names: c.1826+2T>C (NM_001286167.3).
Identifiers: ClinVar variation 2675423 (VCV002675423.2), dbSNP rs2039603867, ClinGen allele CA397454261.
Genomic context (GRCh38, chr16:89,778,799, plus strand): 5'-ATTCTTCGCATTGTCAGAAGAAACCTGGAAGTAGTCATCCCCTTCTAACCGTTGCTGCAT[A>G]CCTCTTCAGAGACTCTATAAACGCCACACGGGAGTCAGGGACTTTGGGGAGCTGTGGGAA-3'

ClinVar aggregate classification (germline): Likely pathogenic. Review status: criteria provided, multiple submitters, no conflicts (2 of 4 stars). 2 submissions from 2 submitters: Likely pathogenic (2). Last evaluated 2025-10-01.

Conditions:
Fanconi anemia complementation group A (FANCA). Also called: FANCA-Related Fanconi Anemia; Fanconi anemia, group A. Identifiers: Orphanet 84, MedGen C3469521, MONDO:0009215, OMIM 227650.

Submissions (2):

Myriad Genetics, Inc.
Classification: Likely pathogenic for Fanconi anemia complementation group A. Last evaluated: 2025-10-01. Review status: criteria provided, single submitter. Criteria: Myriad Autosomal Dominant, Autosomal Recessive and X-Linked Classification Criteria (2023). Collection method: clinical testing. Allele origin: unknown.
Comment: NM_000135.2(FANCA):c.1826+2T>C is a variant in a canonical splice site classified as likely pathogenic in the context of Fanconi anemia complementation group A. c.1826+2T>C has not been observed in cases with relevant disease. Relevant functional assessments of this variant are not available in the literature. c.1826+2T>C has not been observed in referenced population frequency databases. In summary, NM_000135.2(FANCA):c.1826+2T>C is a variant in a canonical splice site in a gene where loss of function is a known mechanism of disease and is predicted to disrupt protein function. Please note: this variant was assessed in the context of healthy population screening.

Baylor Genetics
Classification: Likely pathogenic for Fanconi anemia complementation group A. Last evaluated: 2023-07-22. Review status: criteria provided, single submitter. Criteria: ACMG Guidelines, 2015. Collection method: clinical testing. Allele origin: unknown.